The following is an entry in ClinVar:

NM_001378454.1(ALMS1):c.10187A>G (p.Lys3396Arg)

Gene: ALMS1 (ALMS1 centrosome and basal body associated protein; plus strand). Cytogenetic location: 2p13.1.
Variant type: single nucleotide variant.
Coding change: c.10187A>G on transcript NM_001378454.1 (MANE Select); coding-DNA position 10187, A replaced by G.
Protein change: p.Lys3396Arg; replaces lysine 3396 with arginine.
Molecular consequence: missense variant.
Genome position (GRCh38, 1-based): chr2:73,557,328, A>G. VCF-style: chr2-73557328-A-G. GRCh37 (hg19) VCF-style: chr2-73784455-A-G.
Other names: c.10190A>G, p.Lys3397Arg (NM_015120.4); short protein forms K3397R, K3396R.
Identifiers: ClinVar variation 1986130 (VCV001986130.4), dbSNP rs2466402964, ClinGen allele CA347276786.

ClinVar aggregate classification (germline): Uncertain significance (1 of 4 stars; one submission).

Conditions:
Alstrom syndrome (ALMS). Identifiers: Orphanet 64, MedGen C0268425, MONDO:0008763, OMIM 203800.

Allele frequency attached by ClinVar (database versions not stated): gnomAD exomes 0.00001.
gnomAD v4.1: 9 of 1,614,180 alleles (0.00056%); highest among the groups gnomAD compares: Non-Finnish European, 0.00076%; no homozygotes.

Submission:

Labcorp Genetics (formerly Invitae), Labcorp
Classification: Uncertain significance for Alstrom syndrome. Last evaluated: 2024-11-04. Review status: criteria provided, single submitter. Criteria: Invitae Variant Classification Sherloc (09022015). Collection method: clinical testing. Allele origin: germline.
Comment: This sequence change replaces lysine, which is basic and polar, with arginine, which is basic and polar, at codon 3397 of the ALMS1 protein (p.Lys3397Arg). This variant is not present in population databases (gnomAD no frequency). This variant has not been reported in the literature in individuals affected with ALMS1-related conditions. ClinVar contains an entry for this variant (Variation ID: 1986130). Experimental studies and prediction algorithms are not available or were not evaluated, and the functional significance of this variant is currently unknown. In summary, the available evidence is currently insufficient to determine the role of this variant in disease. Therefore, it has been classified as a Variant of Uncertain Significance.